The following is an entry in ClinVar:

ClinVar aggregate classification (germline): Uncertain significance (1 of 4 stars; one submission).

Conditions:
Hereditary cancer-predisposing syndrome. Also called: Neoplastic Syndromes, Hereditary; Hereditary Cancer Syndrome; Tumor predisposition; Hereditary neoplastic syndrome. Identifiers: Orphanet 140162, MedGen C0027672, MeSH D009386, MONDO:0015356.

Submission:

Ambry Genetics
Classification: Uncertain significance for Hereditary cancer-predisposing syndrome. Last evaluated: 2023-03-05. Review status: criteria provided, single submitter. Criteria: Ambry Variant Classification Scheme 2023. Collection method: clinical testing. Allele origin: germline.
Comment: The p.I193T variant (also known as c.578T>C), located in coding exon 6 of the EPCAM gene, results from a T to C substitution at nucleotide position 578. The isoleucine at codon 193 is replaced by threonine, an amino acid with similar properties. This amino acid position is conserved. In addition, this alteration is predicted to be deleterious by in silico analysis. Since supporting evidence is limited at this time, the clinical significance of this alteration remains unclear.

NM_002354.3(EPCAM):c.578T>C (p.Ile193Thr)

Gene: EPCAM (epithelial cell adhesion molecule; plus strand). Cytogenetic location: 2p21.
Variant type: single nucleotide variant.
Coding change: c.578T>C on transcript NM_002354.3 (MANE Select); coding-DNA position 578, T replaced by C.
Protein change: p.Ile193Thr; replaces isoleucine 193 with threonine.
Molecular consequence: missense variant.
Genome position (GRCh38, 1-based): chr2:47,378,975, T>C. VCF-style: chr2-47378975-T-C. GRCh37 (hg19) VCF-style: chr2-47606114-T-C.
Other names: short protein forms I193T.
Identifiers: ClinVar variation 2447107 (VCV002447107.2), dbSNP rs1671501569, ClinGen allele CA346724133.